The following is an entry in ClinVar:

ClinVar aggregate classification (germline): Uncertain significance (1 of 4 stars; one submission).

Conditions:
DICER1-related tumor predisposition. Also called: DICER1 syndrome; DICER1-related pleuropulmonary blastoma cancer predisposition syndrome. Identifiers: Orphanet 284343, MedGen C3839822, MONDO:0100216.

Allele frequency attached by ClinVar (database versions not stated): TOPMed 0.00001.

Submission:

Labcorp Genetics (formerly Invitae), Labcorp
Classification: Uncertain significance for DICER1-related tumor predisposition. Last evaluated: 2021-03-31. Review status: criteria provided, single submitter. Criteria: Invitae Variant Classification Sherloc (09022015). Collection method: clinical testing. Allele origin: germline.
Comment: In summary, the available evidence is currently insufficient to determine the role of this variant in disease. Therefore, it has been classified as a Variant of Uncertain Significance. Algorithms developed to predict the effect of missense changes on protein structure and function are either unavailable or do not agree on the potential impact of this missense change (SIFT: "Tolerated"; PolyPhen-2: "Possibly Damaging"; Align-GVGD: "Class C0"). This variant has not been reported in the literature in individuals with DICER1-related conditions. This variant is not present in population databases (ExAC no frequency). This sequence change replaces lysine with glutamic acid at codon 1889 of the DICER1 protein (p.Lys1889Glu). The lysine residue is highly conserved and there is a small physicochemical difference between lysine and glutamic acid.

NM_177438.3(DICER1):c.5665A>G (p.Lys1889Glu)

Gene: DICER1 (dicer 1, ribonuclease III; minus strand). Cytogenetic location: 14q32.13.
Variant type: single nucleotide variant.
Coding change: c.5665A>G on transcript NM_177438.3 (MANE Select); coding-DNA position 5665, A replaced by G.
Protein change: p.Lys1889Glu; replaces lysine 1889 with glutamic acid.
Molecular consequence: missense variant. On other transcripts: 3 prime UTR variant (1).
Genome position (GRCh38, 1-based): chr14:95,090,602, T>C on the plus strand (A>G on the coding strand, the complement: DICER1 is on the minus strand). VCF-style: chr14-95090602-T-C. GRCh37 (hg19) VCF-style: chr14-95556939-T-C.
Other names: c.5665A>G, p.Lys1889Glu (NM_030621.4, NM_001271282.3, NM_001291628.2); c.*12A>G (NM_001195573.1); short protein forms K1889E.
Identifiers: ClinVar variation 1507769 (VCV001507769.9), dbSNP rs1889705351, ClinGen allele CA390863386.
Genomic context (GRCh38, chr14:95,090,602, plus strand): 5'-GGGCTCTTCTTGCTGCTGCAGATTTGGCAATCCTGTAACTTCGACCAACACCTTTAAATT[T>C]CCCCTTTCCTACTACTTCCACAGTGACTCTGACCTTCCCGTCGTAAGTTCTCTCAGCCGG-3'
Protein context (NP_803187.1, residues 1879-1899): RVTVEVVGKG[Lys1889Glu]FKGVGRSYRI